The following is an entry in ClinVar:

ClinVar aggregate classification (germline): Uncertain significance (1 of 4 stars; one submission).

Allele frequency attached by ClinVar (database versions not stated): gnomAD exomes below 0.00001; TOPMed 0.00001.
gnomAD v4.1: 1 of 1,614,138 alleles (0.000062%); highest among the groups gnomAD compares: Non-Finnish European, 0.000085%; no homozygotes.

Submission:

Labcorp Genetics (formerly Invitae), Labcorp
Classification: Uncertain significance. Last evaluated: 2022-09-12. Review status: criteria provided, single submitter. Criteria: Invitae Variant Classification Sherloc (09022015). Collection method: clinical testing. Allele origin: germline.
Comment: This sequence change replaces proline, which is neutral and non-polar, with serine, which is neutral and polar, at codon 519 of the NEFH protein (p.Pro519Ser). In summary, the available evidence is currently insufficient to determine the role of this variant in disease. Therefore, it has been classified as a Variant of Uncertain Significance. Advanced modeling of protein sequence and biophysical properties (such as structural, functional, and spatial information, amino acid conservation, physicochemical variation, residue mobility, and thermodynamic stability) performed at Invitae indicates that this missense variant is not expected to disrupt NEFH protein function. This variant has not been reported in the literature in individuals affected with NEFH-related conditions. This variant is not present in population databases (gnomAD no frequency).

NM_021076.4(NEFH):c.1555C>T (p.Pro519Ser)

Gene: NEFH (neurofilament heavy chain; plus strand). Cytogenetic location: 22q12.2.
Variant type: single nucleotide variant.
Coding change: c.1555C>T on transcript NM_021076.4 (MANE Select); coding-DNA position 1555, C replaced by T.
Protein change: p.Pro519Ser; replaces proline 519 with serine.
Molecular consequence: missense variant.
Genome position (GRCh38, 1-based): chr22:29,489,195, C>T. VCF-style: chr22-29489195-C-T. GRCh37 (hg19) VCF-style: chr22-29885184-C-T.
Other names: short protein forms P519S.
Identifiers: ClinVar variation 2096439 (VCV002096439.4), dbSNP rs2063061618, ClinGen allele CA411130725.